The following is an entry in ClinVar:

NM_001366385.1(CARD14):c.1471G>T (p.Asp491Tyr)

Gene: CARD14 (caspase recruitment domain family member 14; plus strand). Cytogenetic location: 17q25.3.
Variant type: single nucleotide variant.
Coding change: c.1471G>T on transcript NM_001366385.1 (MANE Select); coding-DNA position 1471, G replaced by T.
Protein change: p.Asp491Tyr; replaces aspartic acid 491 with tyrosine.
Molecular consequence: missense variant. On other transcripts: non-coding transcript variant (1).
Genome position (GRCh38, 1-based): chr17:80,195,305, G>T. VCF-style: chr17-80195305-G-T. GRCh37 (hg19) VCF-style: chr17-78169104-G-T.
Other names: c.1471G>T, p.Asp491Tyr (NM_024110.4, NM_001257970.1); c.760G>T, p.Asp254Tyr (NM_052819.3); short protein forms D491Y, D254Y.
Identifiers: ClinVar variation 846964 (VCV000846964.10), dbSNP rs149030007, ClinGen allele CA401349160.

ClinVar aggregate classification (germline): Uncertain significance (1 of 4 stars; one submission).

Conditions:
Pityriasis rubra pilaris (PRP). Also called: Pityriasis rubra pilaris--familial type. Identifiers: Orphanet 2897, MedGen C0032027, MONDO:0100017, OMIM 173200, MONDO:0008251.
Psoriasis 2. Identifiers: MedGen C1864497, MONDO:0011269, OMIM 602723.

Submission:

Labcorp Genetics (formerly Invitae), Labcorp
Classification: Uncertain significance for Pityriasis rubra pilaris; Psoriasis 2. Last evaluated: 2022-06-02. Review status: criteria provided, single submitter. Criteria: Invitae Variant Classification Sherloc (09022015). Collection method: clinical testing. Allele origin: germline.
Comment: ClinVar contains an entry for this variant (Variation ID: 846964). In summary, the available evidence is currently insufficient to determine the role of this variant in disease. Therefore, it has been classified as a Variant of Uncertain Significance. Algorithms developed to predict the effect of missense changes on protein structure and function (SIFT, PolyPhen-2, Align-GVGD) all suggest that this variant is likely to be disruptive. This variant has not been reported in the literature in individuals affected with CARD14-related conditions. This variant is not present in population databases (gnomAD no frequency). This sequence change replaces aspartic acid, which is acidic and polar, with tyrosine, which is neutral and polar, at codon 491 of the CARD14 protein (p.Asp491Tyr).